The following is an entry in ClinVar:

NM_201384.3(PLEC):c.8013G>A (p.Arg2671=)

Gene: PLEC (plectin; minus strand). Cytogenetic location: 8q24.3.
Variant type: single nucleotide variant.
Coding change: c.8013G>A on transcript NM_201384.3 (MANE Select); coding-DNA position 8013, G replaced by A.
Protein change: p.Arg2671=; no amino-acid change (arginine 2671 retained).
Molecular consequence: synonymous variant.
Genome position (GRCh38, 1-based): chr8:143,921,808, C>T on the plus strand (G>A on the coding strand, the complement: PLEC is on the minus strand). VCF-style: chr8-143921808-C-T. GRCh37 (hg19) VCF-style: chr8-144995976-C-T.
Other names: c.8094G>A, p.Arg2698= (NM_000445.5); c.4713G>A, p.Arg1571= (NM_001410941.1); c.7971G>A, p.Arg2657= (NM_201378.4); c.7947G>A, p.Arg2649= (NM_201379.3); c.8424G>A, p.Arg2808= (NM_201380.4); c.7917G>A, p.Arg2639= (NM_201381.3); c.8013G>A, p.Arg2671= (NM_201382.4); c.8025G>A, p.Arg2675= (NM_201383.3).
Identifiers: ClinVar variation 4281023 (VCV004281023.7).

ClinVar aggregate classification (germline): Likely benign (1 of 4 stars; one submission).

Submission:

CeGaT Center for Human Genetics Tuebingen
Classification: Likely benign. Last evaluated: 2025-09-01. Review status: criteria provided, single submitter. Criteria: CeGaT Center For Human Genetics Tuebingen Variant Classification Criteria Version 2. Collection method: clinical testing. Allele origin: germline. Affected: yes. Observed: 1 variant allele.
Comment: PLEC: PM2:Supporting, BP4, BP7